The following is an entry in ClinVar:

NM_006206.6(PDGFRA):c.309C>A (p.Asn103Lys)

Gene: PDGFRA (platelet derived growth factor receptor alpha; plus strand). Cytogenetic location: 4q12.
Variant type: single nucleotide variant.
Coding change: c.309C>A on transcript NM_006206.6 (MANE Select); coding-DNA position 309, C replaced by A.
Protein change: p.Asn103Lys; replaces asparagine 103 with lysine.
Molecular consequence: missense variant.
Genome position (GRCh38, 1-based): chr4:54,261,354, C>A. VCF-style: chr4-54261354-C-A. GRCh37 (hg19) VCF-style: chr4-55127521-C-A.
Other names: c.309C>A, p.Asn103Lys (NM_001347827.2, NM_001347829.2); c.384C>A, p.Asn128Lys (NM_001347828.2); c.348C>A, p.Asn116Lys (NM_001347830.2); short protein forms N103K, N116K, N128K.
Identifiers: ClinVar variation 3416413 (VCV003416413.1).
Genomic context (GRCh38, chr4:54,261,354, plus strand): 5'-GGTCTTGGAAGTGAGCAGTGCCTCGGCGGCCCACACAGGGTTGTACACTTGCTATTACAA[C>A]CACACTCAGACAGAAGAGAATGAGCTTGAAGGCAGGCACATTTACATCTATGTGCCAGGT-3'
Protein context (NP_006197.1, residues 93-113): AHTGLYTCYY[Asn103Lys]HTQTEENELE

ClinVar aggregate classification (germline): Uncertain significance (1 of 4 stars; one submission).

Conditions:
Hereditary cancer-predisposing syndrome. Also called: Neoplastic Syndromes, Hereditary; Tumor predisposition; Hereditary Cancer Syndrome; Hereditary neoplastic syndrome. Identifiers: Orphanet 140162, MedGen C0027672, MeSH D009386, MONDO:0015356.

Submission:

Ambry Genetics
Classification: Uncertain significance for Hereditary cancer-predisposing syndrome. Last evaluated: 2024-08-28. Review status: criteria provided, single submitter. Criteria: Ambry Variant Classification Scheme 2023. Collection method: clinical testing. Allele origin: germline.
Comment: The p.N103K variant (also known as c.309C>A), located in coding exon 2 of the PDGFRA gene, results from a C to A substitution at nucleotide position 309. The asparagine at codon 103 is replaced by lysine, an amino acid with similar properties. This amino acid position is conserved. In addition, this alteration is predicted to be tolerated by in silico analysis. Based on the available evidence, the clinical significance of this variant remains unclear.